The following is an entry in ClinVar:

NM_001184.4(ATR):c.3007G>A (p.Ala1003Thr)

Gene: ATR (ATR checkpoint kinase; minus strand). Cytogenetic location: 3q23.
Variant type: single nucleotide variant.
Coding change: c.3007G>A on transcript NM_001184.4 (MANE Select); coding-DNA position 3007, G replaced by A.
Protein change: p.Ala1003Thr; replaces alanine 1003 with threonine.
Molecular consequence: missense variant.
Genome position (GRCh38, 1-based): chr3:142,549,643, C>T on the plus strand (G>A on the coding strand, the complement: ATR is on the minus strand). VCF-style: chr3-142549643-C-T. GRCh37 (hg19) VCF-style: chr3-142268485-C-T.
Other names: c.2815G>A, p.Ala939Thr (NM_001354579.2); short protein forms A939T, A1003T.
Identifiers: ClinVar variation 1798755 (VCV001798755.2), dbSNP rs1184743643, ClinGen allele CA354812542.
Genomic context (GRCh38, chr3:142,549,643, plus strand): 5'-CATTTAATTGTTTTCCTAAAGTTCGAATGAGAGCAGAAGCTGCAGGGCTTGCTTTGGCAG[C>T]AAGATCAGGTAGTAGAACTTGTAATGTCCTCTGAAAAAGAATGCAACAATTACCAAAAAG-3'
Protein context (NP_001175.2, residues 993-1013): RTLQVLLPDL[Ala1003Thr]AKASPAASAL

ClinVar aggregate classification (germline): Uncertain significance (1 of 4 stars; one submission).

Conditions:
Inborn genetic diseases. Identifiers: MedGen C0950123, MeSH D030342.

Allele frequency attached by ClinVar (database versions not stated): gnomAD exomes below 0.00001.
gnomAD v4.1: 1 of 1,613,432 alleles (0.000062%); no homozygotes.

Submission:

Ambry Genetics
Classification: Uncertain significance for Inborn genetic diseases. Last evaluated: 2022-02-13. Review status: criteria provided, single submitter. Criteria: Ambry Variant Classification Scheme 2023. Collection method: clinical testing. Allele origin: germline.
Comment: The p.A1003T variant (also known as c.3007G>A), located in coding exon 15 of the ATR gene, results from a G to A substitution at nucleotide position 3007. The alanine at codon 1003 is replaced by threonine, an amino acid with similar properties. This amino acid position is conserved. In addition, this alteration is predicted to be tolerated by in silico analysis. Since supporting evidence is limited at this time, the clinical significance of this alteration remains unclear.